The following is an entry in ClinVar:

ClinVar aggregate classification (germline): Likely benign. Review status: criteria provided, multiple submitters, no conflicts (2 of 4 stars). 4 submissions from 4 submitters: Likely benign (3). 1 of the submissions does not count toward it. Last evaluated 2025-10-31.

Conditions:
Joubert syndrome 6 (JBTS6). Identifiers: Orphanet 475, MedGen C1853153, MONDO:0012539, OMIM 610688.
Bardet-Biedl syndrome 14 (BBS14). Identifiers: Orphanet 110, MedGen C2673874, MONDO:0014442, OMIM 615991.
COACH syndrome 1. Identifiers: Orphanet 1454, MedGen C5435651, MONDO:0800103, OMIM 216360, MONDO:0008996.
Meckel syndrome, type 3 (MKS3). Also called: MECKEL-GRUBER SYNDROME, TYPE 3. Identifiers: Orphanet 564, MedGen C1846357, MONDO:0011821, OMIM 607361.
RHYNS syndrome. Also called: RETINITIS PIGMENTOSA SYNDROME; RETINITIS PIGMENTOSA, HYPOPITUITARISM, NEPHRONOPHTHISIS, AND MILD SKELETAL DYSPLASIA. Identifiers: Orphanet 140976, MedGen C1865794, MONDO:0011202, OMIM 602152.
Nephronophthisis 11 (NPHP11). Identifiers: Orphanet 84081, MedGen C3150796, MONDO:0013302, OMIM 613550.
TMEM67-related disorder. Also called: TMEM67-related disorders; TMEM67-related condition. Identifiers: MedGen CN239423.
Meckel-Gruber syndrome. Also called: Dysencephalia splachnocystica; DYSENCEPHALIA SPLANCHNOCYSTICA; GRUBER SYNDROME. Identifiers: Orphanet 564, MedGen C0265215, MONDO:0018921.
Joubert syndrome. Also called: JOUBERT-BOLTSHAUSER SYNDROME; Familial aplasia of the vermis. Identifiers: Orphanet 475, MedGen C5979921, MONDO:0018772.

Submissions (4):

Labcorp Genetics (formerly Invitae), Labcorp
Classification: Likely benign for Joubert syndrome; Meckel-Gruber syndrome. Last evaluated: 2025-10-31. Review status: criteria provided, single submitter. Criteria: Invitae Variant Classification Sherloc (09022015). Collection method: clinical testing. Allele origin: germline.

Blueprint Genetics
Classification: Likely benign. Last evaluated: 2024-05-06. Review status: criteria provided, single submitter. Criteria: ACMG Guidelines, 2015. Collection method: clinical testing. Allele origin: germline.

Fulgent Genetics
Classification: Likely benign for COACH syndrome 1; RHYNS syndrome; Meckel syndrome, type 3; Joubert syndrome 6; Nephronophthisis 11; Bardet-Biedl syndrome 14. Last evaluated: 2021-09-13. Review status: criteria provided, single submitter. Criteria: ACMG Guidelines, 2015. Collection method: clinical testing. Allele origin: unknown.

PreventionGenetics, part of Exact Sciences
Classification: Likely benign for TMEM67-related condition. Last evaluated: 2024-07-18. Review status: no assertion criteria provided. Collection method: clinical testing. Allele origin: germline. Not counted in ClinVar's aggregate classification.
Comment: This variant is classified as likely benign based on ACMG/AMP sequence variant interpretation guidelines (Richards et al. 2015 PMID: 25741868, with internal and published modifications).

NM_153704.6(TMEM67):c.1675-10dup

Gene: TMEM67 (transmembrane protein 67; plus strand). Cytogenetic location: 8q22.1.
Variant type: Duplication.
Coding change: c.1675-10dup on transcript NM_153704.6 (MANE Select); 10 bases into the intron before coding-DNA position 1675, one base duplicated (T; older notation c.1675-10dupT).
Molecular consequence: intron variant.
Genome position (GRCh38, 1-based): chr8:93,795,399, T duplicated; the last of 8 consecutive T bases (chr8:93,795,392-93,795,399); duplicating any one gives the same sequence. VCF-style (leftmost placement, unchanged base first): chr8-93795391-C-CT. GRCh37 (hg19) VCF-style: chr8-94807619-C-CT.
Other names: c.1675-10dupT (NM_153704.5); c.1432-10dup (NM_001142301.1).
Identifiers: ClinVar variation 1561793 (VCV001561793.11), dbSNP rs752404927, ClinGen allele CA4808051.
Genomic context (GRCh38, chr8:93,795,391, plus strand): 5'-TATAAAAGTGGTAGTGTTACTAAAAGTGGTATATACATGGAGTCTTAAACAGCTGTAATT[C>CT]TTTTTTTTAAATTGCAGACAGTTGTGAAATTCTTGGTGTACTATGCTGGTGATCTGGCCA-3'